The following is an entry in ClinVar:

ClinVar aggregate classification (germline): Uncertain significance (1 of 4 stars; one submission).

Allele frequency attached by ClinVar (database versions not stated): gnomAD 0.00001.
gnomAD v4.1: 4 of 1,613,662 alleles (0.00025%); highest among the groups gnomAD compares: Admixed American, 0.0033%; no homozygotes.

Submission:

Labcorp Genetics (formerly Invitae), Labcorp
Classification: Uncertain significance. Last evaluated: 2020-12-08. Review status: criteria provided, single submitter. Criteria: Invitae Variant Classification Sherloc (09022015). Collection method: clinical testing. Allele origin: germline.
Comment: In summary, the available evidence is currently insufficient to determine the role of this variant in disease. Therefore, it has been classified as a Variant of Uncertain Significance. Algorithms developed to predict the effect of missense changes on protein structure and function are either unavailable or do not agree on the potential impact of this missense change (SIFT: "Deleterious"; PolyPhen-2: "Benign"; Align-GVGD: "Class C25"). This variant has not been reported in the literature in individuals with NANS-related conditions. This variant is not present in population databases (ExAC no frequency). This sequence change replaces valine with alanine at codon 105 of the NANS protein (p.Val105Ala). The valine residue is weakly conserved and there is a small physicochemical difference between valine and alanine.

NM_018946.4(NANS):c.314T>C (p.Val105Ala)

Genes: NANS (N-acetylneuraminate synthase; plus strand), TRIM14 (tripartite motif containing 14; minus strand). Cytogenetic location: 9q22.33.
Variant type: single nucleotide variant.
Coding change: c.314T>C on transcript NM_018946.4 (MANE Select); coding-DNA position 314, T replaced by C.
Protein change: p.Val105Ala; replaces valine 105 with alanine.
Molecular consequence: missense variant.
Genome position (GRCh38, 1-based): chr9:98,060,963, T>C. VCF-style: chr9-98060963-T-C. GRCh37 (hg19) VCF-style: chr9-100823245-T-C.
Other names: short protein forms V105A.
Identifiers: ClinVar variation 1461505 (VCV001461505.8), dbSNP rs768017987, ClinGen allele CA374195059.